The following is an entry in ClinVar:

ClinVar aggregate classification (germline): Likely benign. Review status: criteria provided, multiple submitters, no conflicts (2 of 4 stars). 2 submissions from 2 submitters: Likely benign (2). Last evaluated 2026-07-01.

Allele frequency attached by ClinVar (database versions not stated): 1000 Genomes Project 0.00240; 1000 Genomes Project 30x 0.00250; gnomAD exomes 0.00287 and 0.00487; ESP Exome Variant Server 0.00318; TOPMed 0.00318; ExAC 0.00322.
gnomAD v4.1: 7,513 of 1,612,114 alleles (0.47%); highest among the groups gnomAD compares: Non-Finnish European, 0.59%; 23 homozygotes.

Submissions (2):

CeGaT Center for Human Genetics Tuebingen
Classification: Likely benign. Last evaluated: 2026-07-01. Review status: criteria provided, single submitter. Criteria: CeGaT Center For Human Genetics Tuebingen Variant Classification Criteria Version 2. Collection method: clinical testing. Allele origin: germline. Affected: yes. Observed: 7 variant alleles.
Comment: PIGY: BS2; PYURF: BS2

Labcorp Genetics (formerly Invitae), Labcorp
Classification: Likely benign. Last evaluated: 2026-01-19. Review status: criteria provided, single submitter. Criteria: Invitae Variant Classification Sherloc (09022015). Collection method: clinical testing. Allele origin: germline.

NM_001042616.3(PIGY):c.17C>G (p.Pro6Arg)

Genes: PIGY (phosphatidylinositol glycan anchor biosynthesis class Y; minus strand), PYURF (PIGY upstream open reading frame; minus strand). Cytogenetic location: 4q22.1.
Variant type: single nucleotide variant.
Coding change: c.17C>G on transcript NM_001042616.3 (MANE Select); coding-DNA position 17, C replaced by G.
Protein change: p.Pro6Arg; replaces proline 6 with arginine.
Molecular consequence: missense variant. On other transcripts: 3 prime UTR variant (1).
Genome position (GRCh38, 1-based): chr4:88,521,773, G>C on the plus strand (C>G on the coding strand, the complement: PIGY is on the minus strand). VCF-style: chr4-88521773-G-C. GRCh37 (hg19) VCF-style: chr4-89442924-G-C.
Other names: c.*115C>G (NM_032906.5); short protein forms P6R.
Identifiers: ClinVar variation 425334 (VCV000425334.52), dbSNP rs143548787, ClinGen allele CA3007140.
Genomic context (GRCh38, chr4:88,521,773, plus strand): 5'-ACAGAGGCTGAGTAGAACAGTCCTGCTAAAGAAACCAGTGGAATAAGAACAGTCAACGTA[G>C]GAAGAGACAGAAACATTCTTCTCTTCCACTTATTACCTGCCACTGTGTTTTAAAAGGTAT-3'
Protein context (NP_001036081.1, residues 1-16): MFLSL[Pro6Arg]TLTVLIPLVS